The following is an entry in ClinVar:

NM_000399.5(EGR2):c.485A>G (p.Asp162Gly)

Gene: EGR2 (early growth response 2; minus strand). Cytogenetic location: 10q21.3.
Variant type: single nucleotide variant.
Coding change: c.485A>G on transcript NM_000399.5 (MANE Select); coding-DNA position 485, A replaced by G.
Protein change: p.Asp162Gly; replaces aspartic acid 162 with glycine.
Molecular consequence: missense variant.
Genome position (GRCh38, 1-based): chr10:62,814,153, T>C on the plus strand (A>G on the coding strand, the complement: EGR2 is on the minus strand). VCF-style: chr10-62814153-T-C. GRCh37 (hg19) VCF-style: chr10-64573913-T-C.
Other names: c.485A>G, p.Asp162Gly (NM_001136177.3, NM_001136178.2); c.335A>G, p.Asp112Gly (NM_001136179.3, NM_001321037.2); c.524A>G, p.Asp175Gly (NM_001410931.1); short protein forms D112G, D162G, D175G.
Identifiers: ClinVar variation 4771619 (VCV004771619.1).
Genomic context (GRCh38, chr10:62,814,153, plus strand): 5'-TAGAGGTCTCCTGCACAGCCAGAATAAGGAGGAGGAGGCGGTGGCGGAGAGTACAGGTGG[T>C]CCAGGTCAGGCTGGGTCTGGGACATGGTGCACACACCCAGGGGTCCTGTGGCCAGTGGGT-3'
Protein context (NP_000390.2, residues 152-172): CTMSQTQPDL[Asp162Gly]HLYSPPPPPP

ClinVar aggregate classification (germline): Uncertain significance (1 of 4 stars; one submission).

Conditions:
Charcot-Marie-Tooth disease, type I (CMT1). Also called: Charcot-Marie-Tooth, Type 1; Charcot-Marie-Tooth disease type 1. Identifiers: Orphanet 65753, MedGen C0751036, MONDO:0019011.

Submission:

Labcorp Genetics (formerly Invitae), Labcorp
Classification: Uncertain significance for Charcot-Marie-Tooth disease, type I. Last evaluated: 2025-11-06. Review status: criteria provided, single submitter. Criteria: Invitae Variant Classification Sherloc (09022015). Collection method: clinical testing. Allele origin: germline.
Comment: This sequence change replaces aspartic acid, which is acidic and polar, with glycine, which is neutral and non-polar, at codon 162 of the EGR2 protein (p.Asp162Gly). This variant is not present in population databases (gnomAD no frequency). This variant has not been reported in the literature in individuals affected with EGR2-related conditions. Invitae Evidence Modeling of protein sequence and biophysical properties (such as structural, functional, and spatial information, amino acid conservation, physicochemical variation, residue mobility, and thermodynamic stability) indicates that this missense variant is not expected to disrupt EGR2 protein function with a negative predictive value of 80%. In summary, the available evidence is currently insufficient to determine the role of this variant in disease. Therefore, it has been classified as a Variant of Uncertain Significance.